The following is an entry in ClinVar:

ClinVar aggregate classification (germline): Uncertain significance. Review status: criteria provided, multiple submitters, no conflicts (2 of 4 stars). 2 submissions from 2 submitters: Uncertain significance (2). Last evaluated 2022-11-20.

Conditions:
Inborn genetic diseases. Identifiers: MedGen C0950123, MeSH D030342.

Allele frequency attached by ClinVar (database versions not stated): gnomAD 0.00001; ExAC 0.00002; TOPMed 0.00002; ESP Exome Variant Server 0.00008.
gnomAD v4.1: 60 of 1,613,800 alleles (0.0037%); highest among the groups gnomAD compares: Non-Finnish European, 0.0047%; no homozygotes.

Submissions (2):

Ambry Genetics
Classification: Uncertain significance for Inborn genetic diseases. Last evaluated: 2022-11-20. Review status: criteria provided, single submitter. Criteria: Ambry Variant Classification Scheme 2023. Collection method: clinical testing. Allele origin: germline.
Comment: The p.R2514H variant (also known as c.7541G>A), located in coding exon 45 of the ATR gene, results from a G to A substitution at nucleotide position 7541. The arginine at codon 2514 is replaced by histidine, an amino acid with highly similar properties. This amino acid position is conserved. In addition, this alteration is predicted to be deleterious by in silico analysis. Since supporting evidence is limited at this time, the clinical significance of this alteration remains unclear.

Labcorp Genetics (formerly Invitae), Labcorp
Classification: Uncertain significance. Last evaluated: 2022-08-31. Review status: criteria provided, single submitter. Criteria: Invitae Variant Classification Sherloc (09022015). Collection method: clinical testing. Allele origin: germline.
Comment: In summary, the available evidence is currently insufficient to determine the role of this variant in disease. Therefore, it has been classified as a Variant of Uncertain Significance. Algorithms developed to predict the effect of missense changes on protein structure and function (SIFT, PolyPhen-2, Align-GVGD) all suggest that this variant is likely to be disruptive. This variant has not been reported in the literature in individuals affected with ATR-related conditions. The frequency data for this variant in the population databases is considered unreliable, as metrics indicate poor data quality at this position in the gnomAD database. This sequence change replaces arginine, which is basic and polar, with histidine, which is basic and polar, at codon 2514 of the ATR protein (p.Arg2514His).

NM_001184.4(ATR):c.7541G>A (p.Arg2514His)

Gene: ATR (ATR checkpoint kinase; minus strand). Cytogenetic location: 3q23.
Variant type: single nucleotide variant.
Coding change: c.7541G>A on transcript NM_001184.4 (MANE Select); coding-DNA position 7541, G replaced by A.
Protein change: p.Arg2514His; replaces arginine 2514 with histidine.
Molecular consequence: missense variant.
Genome position (GRCh38, 1-based): chr3:142,457,718, C>T on the plus strand (G>A on the coding strand, the complement: ATR is on the minus strand). VCF-style: chr3-142457718-C-T. GRCh37 (hg19) VCF-style: chr3-142176560-C-T.
Other names: c.7349G>A, p.Arg2450His (NM_001354579.2); c.7541G>A (NM_001184.3); short protein forms R2450H, R2514H.
Identifiers: ClinVar variation 2180946 (VCV002180946.4), dbSNP rs151162347, ClinGen allele CA2649104.